The following is an entry in ClinVar:

ClinVar aggregate classification (germline): Likely benign (1 of 4 stars; one submission).

Allele frequency attached by ClinVar (database versions not stated): 1000 Genomes Project 0.00319; 1000 Genomes Project 30x 0.00359; ExAC 0.00537; gnomAD 0.00650; TOPMed 0.00668; ESP Exome Variant Server 0.00723; gnomAD exomes 0.00928.

Submission:

CeGaT Center for Human Genetics Tuebingen
Classification: Likely benign. Last evaluated: 2023-05-01. Review status: criteria provided, single submitter. Criteria: CeGaT Center For Human Genetics Tuebingen Variant Classification Criteria Version 2. Collection method: clinical testing. Allele origin: germline. Affected: yes. Observed: 1 variant allele.
Comment: ZNF813: BS2

NM_001004301.4(ZNF813):c.1336_1337del (p.Lys446fs)

Gene: ZNF813 (zinc finger protein 813; plus strand). Cytogenetic location: 19q13.42.
Variant type: Deletion.
Coding change: c.1336_1337del on transcript NM_001004301.4 (MANE Select); coding-DNA positions 1336 to 1337, 2 bases deleted (AA; older notation c.1336_1337delAA).
Protein change: p.Lys446fs; shifts the reading frame from lysine 446.
Molecular consequence: frameshift variant.
Genome position (GRCh38, 1-based): chr19:53,491,568-53,491,569, AA deleted. VCF-style (leftmost placement, unchanged base first): chr19-53491567-CAA-C. GRCh37 (hg19) VCF-style: chr19-53994821-CAA-C.
Other names: short protein forms K446fs.
Identifiers: ClinVar variation 2650411 (VCV002650411.24), dbSNP rs201526537, ClinGen allele CA9635865.